The following is an entry in ClinVar:

ClinVar aggregate classification (germline): Uncertain significance (1 of 4 stars; one submission).

Conditions:
Neuronal ceroid lipofuscinosis 7 (CLN7). Also called: MFSD8-Related Neuronal Ceroid-Lipofuscinosis. Identifiers: Orphanet 168491, Orphanet 228366, MedGen C1838571, MONDO:0012588, OMIM 610951.

Allele frequency attached by ClinVar (database versions not stated): gnomAD exomes below 0.00001; ExAC 0.00001; gnomAD 0.00001.

Submission:

Labcorp Genetics (formerly Invitae), Labcorp
Classification: Uncertain significance for Neuronal ceroid lipofuscinosis 7. Last evaluated: 2024-04-05. Review status: criteria provided, single submitter. Criteria: Invitae Variant Classification Sherloc (09022015). Collection method: clinical testing. Allele origin: germline.
Comment: This sequence change replaces proline, which is neutral and non-polar, with serine, which is neutral and polar, at codon 106 of the MFSD8 protein (p.Pro106Ser). This variant is present in population databases (rs757793193, gnomAD 0.0009%). This variant has not been reported in the literature in individuals affected with MFSD8-related conditions. ClinVar contains an entry for this variant (Variation ID: 408899). Advanced modeling of protein sequence and biophysical properties (such as structural, functional, and spatial information, amino acid conservation, physicochemical variation, residue mobility, and thermodynamic stability) performed at Invitae indicates that this missense variant is expected to disrupt MFSD8 protein function with a positive predictive value of 80%. In summary, the available evidence is currently insufficient to determine the role of this variant in disease. Therefore, it has been classified as a Variant of Uncertain Significance.

NM_001371596.2(MFSD8):c.316C>T (p.Pro106Ser)

Gene: MFSD8 (major facilitator superfamily domain containing 8; minus strand). Cytogenetic location: 4q28.2.
Variant type: single nucleotide variant.
Coding change: c.316C>T on transcript NM_001371596.2 (MANE Select); coding-DNA position 316, C replaced by T.
Protein change: p.Pro106Ser; replaces proline 106 with serine.
Molecular consequence: missense variant.
Genome position (GRCh38, 1-based): chr4:127,943,875, G>A on the plus strand (C>T on the coding strand, the complement: MFSD8 is on the minus strand). VCF-style: chr4-127943875-G-A. GRCh37 (hg19) VCF-style: chr4-128865030-G-A.
Other names: c.316C>T, p.Pro106Ser (NM_001363520.3, NM_001363521.3, NM_001371591.2 and 5 more transcripts); c.181C>T, p.Pro61Ser (NM_001371590.2, NM_001371595.1, NM_001410765.1); short protein forms P106S, P61S.
Identifiers: ClinVar variation 408899 (VCV000408899.5), dbSNP rs757793193, ClinGen allele CA3077502.